The following is an entry in ClinVar:

ClinVar aggregate classification (germline): Uncertain significance. Review status: criteria provided, multiple submitters, no conflicts (2 of 4 stars). 2 submissions from 2 submitters: Uncertain significance (2). Last evaluated 2025-04-07.

Conditions:
Inborn genetic diseases. Identifiers: MedGen C0950123, MeSH D030342.

Allele frequency attached by ClinVar (database versions not stated): gnomAD exomes below 0.00001; ExAC 0.00001; TOPMed 0.00002.
gnomAD v4.1: 7 of 1,614,142 alleles (0.00043%); highest among the groups gnomAD compares: East Asian, 0.0089%; no homozygotes.

Submissions (2):

Ambry Genetics
Classification: Uncertain significance for Inborn genetic diseases. Last evaluated: 2025-04-07. Review status: criteria provided, single submitter. Criteria: Ambry Variant Classification Scheme 2023. Collection method: clinical testing. Allele origin: germline.

Labcorp Genetics (formerly Invitae), Labcorp
Classification: Uncertain significance. Last evaluated: 2024-12-16. Review status: criteria provided, single submitter. Criteria: Invitae Variant Classification Sherloc (09022015). Collection method: clinical testing. Allele origin: germline.
Comment: This sequence change replaces alanine, which is neutral and non-polar, with threonine, which is neutral and polar, at codon 443 of the DBR1 protein (p.Ala443Thr). This variant is present in population databases (rs776209163, gnomAD 0.02%). This variant has not been reported in the literature in individuals affected with DBR1-related conditions. ClinVar contains an entry for this variant (Variation ID: 2005059). An algorithm developed to predict the effect of missense changes on protein structure and function outputs the following: PolyPhen-2: "Benign". The threonine amino acid residue is found in multiple mammalian species, which suggests that this missense change does not adversely affect protein function. Algorithms developed to predict the effect of sequence changes on RNA splicing suggest that this variant may create or strengthen a splice site. In summary, the available evidence is currently insufficient to determine the role of this variant in disease. Therefore, it has been classified as a Variant of Uncertain Significance.

NM_016216.4(DBR1):c.1327G>A (p.Ala443Thr)

Gene: DBR1 (debranching RNA lariats 1; minus strand). Cytogenetic location: 3q22.3.
Variant type: single nucleotide variant.
Coding change: c.1327G>A on transcript NM_016216.4 (MANE Select); coding-DNA position 1327, G replaced by A.
Protein change: p.Ala443Thr; replaces alanine 443 with threonine.
Molecular consequence: missense variant.
Genome position (GRCh38, 1-based): chr3:138,162,197, C>T on the plus strand (G>A on the coding strand, the complement: DBR1 is on the minus strand). VCF-style: chr3-138162197-C-T. GRCh37 (hg19) VCF-style: chr3-137881039-C-T.
Other names: c.1327G>A (NM_016216.3); short protein forms A443T.
Identifiers: ClinVar variation 2005059 (VCV002005059.5), dbSNP rs776209163, ClinGen allele CA2635682.